The following is an entry in ClinVar:

ClinVar aggregate classification (germline): Pathogenic (1 of 4 stars; one submission).

Conditions:
Chuvash polycythemia. Also called: POLYCYTHEMIA, VHL-DEPENDENT. Identifiers: Orphanet 238557, MedGen C1837915, MONDO:0009892, OMIM 263400.
Von Hippel-Lindau syndrome (VHLS). Also called: Von Hippel-Lindau; VHL syndrome; von Hippel–Lindau syndrome. Identifiers: Orphanet 892, MedGen C0019562, MONDO:0008667, OMIM 193300. Disease mechanism: loss of function.

Submission:

Labcorp Genetics (formerly Invitae), Labcorp
Classification: Pathogenic for Von Hippel-Lindau syndrome; Chuvash polycythemia. Last evaluated: 2021-02-10. Review status: criteria provided, single submitter. Criteria: Invitae Variant Classification Sherloc (09022015). Collection method: clinical testing. Allele origin: germline.
Comment: For these reasons, this variant has been classified as Pathogenic. This variant disrupts the p.Pro81 amino acid residue in VHL. Other variant(s) that disrupt this residue have been determined to be pathogenic (PMID: 22241717, 17102082, 21389259, 27730413, 24134185). This suggests that this residue is clinically significant, and that variants that disrupt this residue are likely to be disease-causing. This variant has not been reported in the literature in individuals with VHL-related conditions. This variant results in the deletion of part of exon 1 (c.54_340+2044del) of the VHL gene. It is expected to disrupt RNA splicing. Variants that disrupt the donor or acceptor splice site typically lead to a loss of protein function (PMID: 16199547), and loss-of-function variants in VHL are known to be pathogenic (PMID: 8956040, 12202531).

Literature cited by the submitters: PubMed 22241717; PubMed 17102082; PubMed 21389259; PubMed 27730413; PubMed 24134185; PubMed 16199547; PubMed 8956040; PubMed 12202531.

NC_000003.11:g.(?_10183579)_(10185909_?)del

Gene: VHL (von Hippel-Lindau tumor suppressor; plus strand). Cytogenetic location: 3p25.3.
Variant type: Deletion.
Identifiers: ClinVar variation 1452589 (VCV001452589.6).